The following is an entry in ClinVar:

ClinVar aggregate classification (germline): Uncertain significance (1 of 4 stars; one submission).

Conditions:
GM3 synthase deficiency (SPDRS). Also called: SALT AND PEPPER MENTAL RETARDATION SYNDROME; SALT AND PEPPER DEVELOPMENTAL REGRESSION SYNDROME; AMISH INFANTILE EPILEPSY SYNDROME. Identifiers: Orphanet 171714, Orphanet 370933, MedGen C1836824, MONDO:0018274, OMIM 609056.

Allele frequency attached by ClinVar (database versions not stated): gnomAD exomes below 0.00001; TOPMed 0.00001.
gnomAD v4.1: 1 of 1,614,190 alleles (0.000062%); highest among the groups gnomAD compares: Admixed American, 0.0017%; no homozygotes.

Submission:

Labcorp Genetics (formerly Invitae), Labcorp
Classification: Uncertain significance for GM3 synthase deficiency. Last evaluated: 2024-04-25. Review status: criteria provided, single submitter. Criteria: Invitae Variant Classification Sherloc (09022015). Collection method: clinical testing. Allele origin: germline.
Comment: This sequence change replaces isoleucine, which is neutral and non-polar, with threonine, which is neutral and polar, at codon 203 of the ST3GAL5 protein (p.Ile203Thr). This variant is present in population databases (no rsID available, gnomAD 0.003%). This variant has not been reported in the literature in individuals affected with ST3GAL5-related conditions. ClinVar contains an entry for this variant (Variation ID: 1510669). Advanced modeling of protein sequence and biophysical properties (such as structural, functional, and spatial information, amino acid conservation, physicochemical variation, residue mobility, and thermodynamic stability) performed at Invitae indicates that this missense variant is not expected to disrupt ST3GAL5 protein function with a negative predictive value of 80%. In summary, the available evidence is currently insufficient to determine the role of this variant in disease. Therefore, it has been classified as a Variant of Uncertain Significance.

NM_003896.4(ST3GAL5):c.608T>C (p.Ile203Thr)

Gene: ST3GAL5 (ST3 beta-galactoside alpha-2,3-sialyltransferase 5; minus strand). Cytogenetic location: 2p11.2.
Variant type: single nucleotide variant.
Coding change: c.608T>C on transcript NM_003896.4 (MANE Select); coding-DNA position 608, T replaced by C.
Protein change: p.Ile203Thr; replaces isoleucine 203 with threonine.
Molecular consequence: missense variant. On other transcripts: 5 prime UTR variant (1).
Genome position (GRCh38, 1-based): chr2:85,847,915, A>G on the plus strand (T>C on the coding strand, the complement: ST3GAL5 is on the minus strand). VCF-style: chr2-85847915-A-G. GRCh37 (hg19) VCF-style: chr2-86075038-A-G.
Other names: c.539T>C, p.Ile180Thr (NM_001042437.2); c.224T>C, p.Ile75Thr (NM_001354223.2, NM_001354224.2, NM_001354226.2 and 3 more transcripts); c.524T>C, p.Ile175Thr (NM_001354227.2, NM_001354229.2, NM_001354238.1); c.-297T>C (NM_001354247.1); c.608T>C, p.Ile203Thr (NM_001363847.1); short protein forms I175T, I180T, I75T, I203T.
Identifiers: ClinVar variation 1510669 (VCV001510669.6), dbSNP rs932969294, ClinGen allele CA51329296.